The following is an entry in ClinVar:

ClinVar aggregate classification (germline): Uncertain significance. Review status: criteria provided, multiple submitters, no conflicts (2 of 4 stars). 2 submissions from 2 submitters: Uncertain significance (2). Last evaluated 2024-12-30.

Conditions:
Inborn genetic diseases. Identifiers: MedGen C0950123, MeSH D030342.

Allele frequency attached by ClinVar (database versions not stated): gnomAD exomes below 0.00001.
gnomAD v4.1: 1 of 1,613,904 alleles (0.000062%); no homozygotes.

Submissions (2):

Ambry Genetics
Classification: Uncertain significance for Inborn genetic diseases. Last evaluated: 2024-12-30. Review status: criteria provided, single submitter. Criteria: Ambry Variant Classification Scheme 2023. Collection method: clinical testing. Allele origin: germline.

Labcorp Genetics (formerly Invitae), Labcorp
Classification: Uncertain significance. Last evaluated: 2024-11-18. Review status: criteria provided, single submitter. Criteria: Invitae Variant Classification Sherloc (09022015). Collection method: clinical testing. Allele origin: germline.
Comment: This sequence change replaces alanine, which is neutral and non-polar, with threonine, which is neutral and polar, at codon 107 of the LCA5 protein (p.Ala107Thr). This variant is present in population databases (no rsID available, gnomAD no frequency). This variant has not been reported in the literature in individuals affected with LCA5-related conditions. ClinVar contains an entry for this variant (Variation ID: 1506435). Invitae Evidence Modeling of protein sequence and biophysical properties (such as structural, functional, and spatial information, amino acid conservation, physicochemical variation, residue mobility, and thermodynamic stability) indicates that this missense variant is expected to disrupt LCA5 protein function with a positive predictive value of 80%. In summary, the available evidence is currently insufficient to determine the role of this variant in disease. Therefore, it has been classified as a Variant of Uncertain Significance.

NM_001122769.3(LCA5):c.319G>A (p.Ala107Thr)

Gene: LCA5 (lebercilin LCA5; minus strand). Cytogenetic location: 6q14.1.
Variant type: single nucleotide variant.
Coding change: c.319G>A on transcript NM_001122769.3 (MANE Select); coding-DNA position 319, G replaced by A.
Protein change: p.Ala107Thr; replaces alanine 107 with threonine.
Molecular consequence: missense variant.
Genome position (GRCh38, 1-based): chr6:79,513,613, C>T on the plus strand (G>A on the coding strand, the complement: LCA5 is on the minus strand). VCF-style: chr6-79513613-C-T. GRCh37 (hg19) VCF-style: chr6-80223330-C-T.
Other names: c.319G>A, p.Ala107Thr (NM_181714.4); c.319G>A (NM_181714.3); short protein forms A107T.
Identifiers: ClinVar variation 1506435 (VCV001506435.7), dbSNP rs981854431, ClinGen allele CA141844773.